The following is an entry in ClinVar:

ClinVar aggregate classification (germline): Uncertain significance (1 of 4 stars; one submission).

Submission:

GeneDx
Classification: Uncertain significance. Last evaluated: 2022-12-20. Review status: criteria provided, single submitter. Criteria: GeneDx Variant Classification Process June 2021. Collection method: clinical testing. Allele origin: germline. Affected: yes.
Comment: Not observed at significant frequency in large population cohorts (gnomAD); In silico analysis supports that this missense variant has a deleterious effect on protein structure/function; Has not been previously published as pathogenic or benign to our knowledge

NM_014905.5(GLS):c.1313G>A (p.Gly438Asp)

Gene: GLS (glutaminase; plus strand). Cytogenetic location: 2q32.2.
Variant type: single nucleotide variant.
Coding change: c.1313G>A on transcript NM_014905.5 (MANE Select); coding-DNA position 1313, G replaced by A.
Protein change: p.Gly438Asp; replaces glycine 438 with aspartic acid.
Molecular consequence: missense variant.
Genome position (GRCh38, 1-based): chr2:190,927,370, G>A. VCF-style: chr2-190927370-G-A. GRCh37 (hg19) VCF-style: chr2-191792096-G-A.
Other names: c.1313G>A, p.Gly438Asp (NM_001256310.2); short protein forms G438D.
Identifiers: ClinVar variation 2507063 (VCV002507063.1), dbSNP rs2470309046, ClinGen allele CA349907559.
Genomic context (GRCh38, chr2:190,927,370, plus strand): 5'-GCTCCATTGAAGTGACTTGTGAATCAGCCAGTGTGATGGCTGCGACACTGGCTAATGGTG[G>A]TTTCTGCCCAATTACTGGTGAAAGAGTACTGAGCCCTGAAGCAGTTCGAAATACATTGAG-3'
Protein context (NP_055720.3, residues 428-448): SVMAATLANG[Gly438Asp]FCPITGERVL